The following is an entry in ClinVar:

ClinVar aggregate classification (germline): Uncertain significance (1 of 4 stars; one submission).

Allele frequency attached by ClinVar (database versions not stated): ExAC 0.00001; gnomAD 0.00001; gnomAD exomes 0.00001; TOPMed 0.00002.
gnomAD v4.1: 14 of 1,613,994 alleles (0.00087%); highest among the groups gnomAD compares: East Asian, 0.0022%; no homozygotes.

Submission:

Labcorp Genetics (formerly Invitae), Labcorp
Classification: Uncertain significance. Last evaluated: 2021-02-19. Review status: criteria provided, single submitter. Criteria: Invitae Variant Classification Sherloc (09022015). Collection method: clinical testing. Allele origin: germline.
Comment: Advanced modeling of protein sequence and biophysical properties (such as structural, functional, and spatial information, amino acid conservation, physicochemical variation, residue mobility, and thermodynamic stability) performed at Invitae indicates that this missense variant is not expected to disrupt SPTBN2 protein function. This variant has not been reported in the literature in individuals with SPTBN2-related conditions. This variant is present in population databases (rs774111091, ExAC 0.009%). This sequence change replaces arginine with tryptophan at codon 1959 of the SPTBN2 protein (p.Arg1959Trp). The arginine residue is highly conserved and there is a moderate physicochemical difference between arginine and tryptophan. In summary, the available evidence is currently insufficient to determine the role of this variant in disease. Therefore, it has been classified as a Variant of Uncertain Significance.

NM_006946.4(SPTBN2):c.5875C>T (p.Arg1959Trp)

Gene: SPTBN2 (spectrin beta, non-erythrocytic 2; minus strand). Cytogenetic location: 11q13.2.
Variant type: single nucleotide variant.
Coding change: c.5875C>T on transcript NM_006946.4 (MANE Select); coding-DNA position 5875, C replaced by T.
Protein change: p.Arg1959Trp; replaces arginine 1959 with tryptophan.
Molecular consequence: missense variant.
Genome position (GRCh38, 1-based): chr11:66,689,879, G>A on the plus strand (C>T on the coding strand, the complement: SPTBN2 is on the minus strand). VCF-style: chr11-66689879-G-A. GRCh37 (hg19) VCF-style: chr11-66457350-G-A.
Other names: short protein forms R1959W.
Identifiers: ClinVar variation 1374179 (VCV001374179.8), dbSNP rs774111091, ClinGen allele CA6128125.